The following is an entry in ClinVar:

NM_006254.4(PRKCD):c.315+24GT[12]

Gene: PRKCD (protein kinase C delta; plus strand). Cytogenetic location: 3p21.1.
Variant type: Microsatellite.
Coding change: c.315+24GT[12] on transcript NM_006254.4 (MANE Select); 12 copies in a row of the 2-base unit GT starting at c.315+24; the reference has ten copies in a row; two copies, 4 bases duplicated.
Molecular consequence: intron variant.
Genome position (GRCh38, 1-based): chr3:53,179,816-53,179,819, GTGT duplicated; duplicating any 4 consecutive bases within chr3:53,179,800-53,179,819 gives the same sequence; the position shown is the placement nearest the transcript's 3' end. VCF-style (leftmost placement, unchanged base first): chr3-53179799-C-CGTGT. GRCh37 (hg19) VCF-style: chr3-53213815-C-CGTGT.
Other names: c.315+24GT[12] (NM_001354680.2, NM_001354679.2, NM_212539.2 and 1 more transcripts); c.372+24GT[12] (NM_001354676.2); c.363+24GT[12] (NM_001354678.2).
Identifiers: ClinVar variation 1250407 (VCV001250407.4), dbSNP rs3830263, ClinGen allele CA2451738.

ClinVar aggregate classification (germline): Benign. Review status: criteria provided, multiple submitters, no conflicts (2 of 4 stars). 2 submissions from 2 submitters: Benign (2). Last evaluated 2023-11-12.

Submissions (2):

Unidad de Genómica Garrahan, Hospital de Pediatría Garrahan
Classification: Benign. Last evaluated: 2023-11-12. Review status: criteria provided, single submitter. Criteria: ACMG Guidelines, 2015. Collection method: clinical testing. Allele origin: germline. Affected: no. Observed: 78 variant alleles.
Comment: This variant is classified as Benign based on local population frequency. This variant was detected in 81% of patients studied by a panel of primary immunodeficiencies. Number of patients: 78. Only high quality variants are reported.

GeneDx
Classification: Benign. Last evaluated: 2021-05-14. Review status: criteria provided, single submitter. Criteria: GeneDx Variant Classification Process June 2021. Collection method: clinical testing. Allele origin: germline. Affected: yes.